The following is an entry in ClinVar:

NM_001378609.3(OTOGL):c.4231A>T (p.Asn1411Tyr)

Gene: OTOGL (otogelin like; plus strand). Cytogenetic location: 12q21.31.
Variant type: single nucleotide variant.
Coding change: c.4231A>T on transcript NM_001378609.3 (MANE Select); coding-DNA position 4231, A replaced by T.
Protein change: p.Asn1411Tyr; replaces asparagine 1411 with tyrosine.
Molecular consequence: missense variant.
Genome position (GRCh38, 1-based): chr12:80,328,696, A>T. VCF-style: chr12-80328696-A-T. GRCh37 (hg19) VCF-style: chr12-80722476-A-T.
Other names: c.4096A>T, p.Asn1366Tyr (NM_001368062.3); c.4231A>T, p.Asn1411Tyr (NM_001378610.3, NM_173591.7); short protein forms N1402Y, N1366Y, N1411Y.
Identifiers: ClinVar variation 505424 (VCV000505424.12), dbSNP rs770438244, ClinGen allele CA6701309.
Genomic context (GRCh38, chr12:80,328,696, plus strand): 5'-CTTTGATTTACTCTTTTTTCCATGTAAAGGGTTGAAGGATGCTTGCCCTACTGCCCTAAA[A>T]ATATGATCCTTGATGAGGTCACCCTCAAGTGTGTTTATCCACGAGACTGTAAGTGTGAAC-3'
Protein context (NP_001365538.2, residues 1401-1421): VEGCLPYCPK[Asn1411Tyr]MILDEVTLKC

ClinVar aggregate classification (germline): Uncertain significance. Review status: criteria provided, multiple submitters, no conflicts (2 of 4 stars). 6 submissions from 6 submitters: Uncertain significance (6). Last evaluated 2024-06-28.

Conditions:
Autosomal recessive nonsyndromic hearing loss 84B. Also called: Deafness, autosomal recessive 84b. Identifiers: Orphanet 90636, MedGen C3554159, MONDO:0013984, OMIM 614944.
Inborn genetic diseases. Identifiers: MedGen C0950123, MeSH D030342.

Allele frequency attached by ClinVar (database versions not stated): gnomAD 0.00001; gnomAD exomes 0.00001; ExAC 0.00002; TOPMed 0.00002.
gnomAD v4.1: 9 of 1,607,074 alleles (0.00056%); highest among the groups gnomAD compares: East Asian, 0.018%; no homozygotes.

Submissions (6):

Ambry Genetics
Classification: Uncertain significance for Inborn genetic diseases. Last evaluated: 2024-06-28. Review status: criteria provided, single submitter. Criteria: Ambry Variant Classification Scheme 2023. Collection method: clinical testing. Allele origin: germline.

Labcorp Genetics (formerly Invitae), Labcorp
Classification: Uncertain significance. Last evaluated: 2024-05-20. Review status: criteria provided, single submitter. Criteria: Invitae Variant Classification Sherloc (09022015). Collection method: clinical testing. Allele origin: germline.
Comment: This sequence change replaces asparagine, which is neutral and polar, with tyrosine, which is neutral and polar, at codon 1402 of the OTOGL protein (p.Asn1402Tyr). This variant is present in population databases (rs770438244, gnomAD 0.02%). This variant has not been reported in the literature in individuals affected with OTOGL-related conditions. ClinVar contains an entry for this variant (Variation ID: 505424). An algorithm developed to predict the effect of missense changes on protein structure and function (PolyPhen-2) suggests that this variant¬†is likely to be tolerated. In summary, the available evidence is currently insufficient to determine the role of this variant in disease. Therefore, it has been classified as a Variant of Uncertain Significance.

GeneDx
Classification: Uncertain significance. Last evaluated: 2022-11-27. Review status: criteria provided, single submitter. Criteria: GeneDx Variant Classification Process June 2021. Collection method: clinical testing. Allele origin: germline. Affected: yes.
Comment: In silico analysis supports that this missense variant has a deleterious effect on protein structure/function; Has not been previously published as pathogenic or benign to our knowledge

Blueprint Genetics
Classification: Uncertain significance. Last evaluated: 2021-12-10. Review status: criteria provided, single submitter. Criteria: ACMG Guidelines, 2015. Collection method: clinical testing. Allele origin: germline.

Fulgent Genetics
Classification: Uncertain significance for Autosomal recessive nonsyndromic hearing loss 84B. Last evaluated: 2018-10-31. Review status: criteria provided, single submitter. Criteria: ACMG Guidelines, 2015. Collection method: clinical testing. Allele origin: unknown.

Laboratory for Molecular Medicine, Mass General Brigham Personalized Medicine
Classification: Uncertain significance. Last evaluated: 2016-11-01. Review status: criteria provided, single submitter. Criteria: LMM Criteria. Collection method: clinical testing. Allele origin: germline. Observed: 1 variant allele.
Comment: The p.Asn1402Tyr variant in OTOGL has not been previously reported in individual s with hearing loss. This variant was identified in 2/8374 East Asian chromosom es by the Exome Aggregation Consortium (ExAC; db SNP rs770438244); however, its frequency is not high enough to rule out a pathog enic role. Computational prediction tools and conservation analyses do not provi de strong support for or against an impact to the protein. In summary, the clini cal significance of the p.Asn1402Tyr variant is uncertain.